The following is an entry in ClinVar:

ClinVar aggregate classification (germline): Likely benign (0 of 4 stars; one submission).

Conditions:
CITED2-related disorder. Also called: CITED2-related condition.

Submission:

PreventionGenetics, part of Exact Sciences
Classification: Likely benign for CITED2-related condition. Last evaluated: 2021-03-26. Review status: no assertion criteria provided. Collection method: clinical testing. Allele origin: germline.
Comment: This variant is classified as likely benign based on ACMG/AMP sequence variant interpretation guidelines (Richards et al. 2015 PMID: 25741868, with internal and published modifications).

NM_006079.5(CITED2):c.-8-187T>C

Genes: CITED2 (Cbp/p300 interacting transactivator with Glu/Asp rich carboxy-terminal domain 2; minus strand), LOC129997309 (ATAC-STARR-seq lymphoblastoid silent region 17610; plus strand). Cytogenetic location: 6q24.1.
Variant type: single nucleotide variant.
Coding change: c.-8-187T>C on transcript NM_006079.5 (MANE Select); 187 bases into the intron before 8 bases upstream of the start codon, T replaced by C.
Molecular consequence: intron variant. On other transcripts: 5 prime UTR variant (1).
Genome position (GRCh38, 1-based): chr6:139,374,139, A>G on the plus strand (T>C on the coding strand, the complement: CITED2 is on the minus strand). VCF-style: chr6-139374139-A-G. GRCh37 (hg19) VCF-style: chr6-139695276-A-G.
Other names: c.-1T>C (NM_001168389.3); c.-9+125T>C (NM_001168388.3).
Identifiers: ClinVar variation 3054525 (VCV003054525.2), dbSNP rs932716941, ClinGen allele CA148813876.